The following is an entry in ClinVar:

NM_001393769.1(MED12L):c.1463T>C (p.Phe488Ser)

Gene: MED12L (mediator complex subunit 12L; plus strand). Cytogenetic location: 3q25.1.
Variant type: single nucleotide variant.
Coding change: c.1463T>C on transcript NM_001393769.1 (MANE Select); coding-DNA position 1463, T replaced by C.
Protein change: p.Phe488Ser; replaces phenylalanine 488 with serine.
Molecular consequence: missense variant.
Genome position (GRCh38, 1-based): chr3:151,165,951, T>C. VCF-style: chr3-151165951-T-C. GRCh37 (hg19) VCF-style: chr3-150883738-T-C.
Other names: c.1463T>C, p.Phe488Ser (NM_053002.6); short protein forms F488S.
Identifiers: ClinVar variation 5008682 (VCV005008682.1).

ClinVar aggregate classification (germline): Uncertain significance (1 of 4 stars; one submission).

Submission:

GeneDx
Classification: Uncertain significance. Last evaluated: 2026-03-10. Review status: criteria provided, single submitter. Criteria: GeneDx Variant Classification Process June 2021. Collection method: clinical testing. Allele origin: germline.
Comment: Not observed at significant frequency in large population cohorts (gnomAD); In silico analysis supports that this missense variant has a deleterious effect on protein structure/function; Has not been previously published as pathogenic or benign to our knowledge